The following is an entry in ClinVar:

ClinVar aggregate classification (germline): Uncertain significance (1 of 4 stars; one submission).

Conditions:
Congenital myasthenic syndrome 8. Also called: Myasthenic syndrome, congenital, 8, with pre- and postsynaptic defects; MYASTHENIC SYNDROME, CONGENITAL, DUE TO AGRIN DEFICIENCY. Identifiers: Orphanet 590, MedGen C3808739, MONDO:0014052, OMIM 615120.

Allele frequency attached by ClinVar (database versions not stated): TOPMed below 0.00001.

Submission:

Labcorp Genetics (formerly Invitae), Labcorp
Classification: Uncertain significance for Congenital myasthenic syndrome 8. Last evaluated: 2018-06-19. Review status: criteria provided, single submitter. Criteria: Invitae Variant Classification Sherloc (09022015). Collection method: clinical testing. Allele origin: germline.
Comment: In summary, the available evidence is currently insufficient to determine the role of this variant in disease. Therefore, it has been classified as a Variant of Uncertain Significance. Algorithms developed to predict the effect of missense changes on protein structure and function (SIFT, PolyPhen-2, Align-GVGD) all suggest that this variant is likely to be tolerated, but these predictions have not been confirmed by published functional studies and their clinical significance is uncertain. This variant has not been reported in the literature in individuals with AGRN-related disease. This variant is not present in population databases (ExAC no frequency). This sequence change replaces serine with proline at codon 1282 of the AGRN protein (p.Ser1282Pro). The serine residue is moderately conserved and there is a moderate physicochemical difference between serine and proline.

NM_198576.4(AGRN):c.3844T>C (p.Ser1282Pro)

Gene: AGRN (agrin; plus strand). Cytogenetic location: 1p36.33.
Variant type: single nucleotide variant.
Coding change: c.3844T>C on transcript NM_198576.4 (MANE Select); coding-DNA position 3844, T replaced by C.
Protein change: p.Ser1282Pro; replaces serine 1282 with proline.
Molecular consequence: missense variant.
Genome position (GRCh38, 1-based): chr1:1,048,104, T>C. VCF-style: chr1-1048104-T-C. GRCh37 (hg19) VCF-style: chr1-983484-T-C.
Other names: c.3844T>C, p.Ser1282Pro (NM_001305275.2); c.3529T>C, p.Ser1177Pro (NM_001364727.2); short protein forms S1282P, S1177P.
Identifiers: ClinVar variation 575395 (VCV000575395.8), dbSNP rs1557714258, ClinGen allele CA337852635.